The following is an entry in ClinVar:

NM_014780.5(CUL7):c.4483G>A (p.Ala1495Thr)

Gene: CUL7 (cullin 7; minus strand). Cytogenetic location: 6p21.1.
Variant type: single nucleotide variant.
Coding change: c.4483G>A on transcript NM_014780.5 (MANE Select); coding-DNA position 4483, G replaced by A.
Protein change: p.Ala1495Thr; replaces alanine 1495 with threonine.
Molecular consequence: missense variant.
Genome position (GRCh38, 1-based): chr6:43,038,650, C>T on the plus strand (G>A on the coding strand, the complement: CUL7 is on the minus strand). VCF-style: chr6-43038650-C-T. GRCh37 (hg19) VCF-style: chr6-43006388-C-T.
Other names: c.4579G>A, p.Ala1527Thr (NM_001168370.2, NM_001374872.1); c.4483G>A, p.Ala1495Thr (NM_001374873.1); c.4480G>A, p.Ala1494Thr (NM_001374874.1); short protein forms A1495T, A1527T, A1494T.
Identifiers: ClinVar variation 2192400 (VCV002192400.1), dbSNP rs775448765, ClinGen allele CA3813189.

ClinVar aggregate classification (germline): Uncertain significance (1 of 4 stars; one submission).

Allele frequency attached by ClinVar (database versions not stated): gnomAD exomes 0.00001; ExAC 0.00002; gnomAD 0.00003; TOPMed 0.00005.
gnomAD v4.1: 20 of 1,613,812 alleles (0.0012%); highest among the groups gnomAD compares: African/African-American, 0.0093%; no homozygotes.

Submission:

Labcorp Genetics (formerly Invitae), Labcorp
Classification: Uncertain significance. Last evaluated: 2022-07-19. Review status: criteria provided, single submitter. Criteria: Invitae Variant Classification Sherloc (09022015). Collection method: clinical testing. Allele origin: germline.
Comment: This sequence change replaces alanine, which is neutral and non-polar, with threonine, which is neutral and polar, at codon 1495 of the CUL7 protein (p.Ala1495Thr). This variant is present in population databases (rs775448765, gnomAD 0.01%). This variant has not been reported in the literature in individuals affected with CUL7-related conditions. Algorithms developed to predict the effect of missense changes on protein structure and function (SIFT, PolyPhen-2, Align-GVGD) all suggest that this variant is likely to be tolerated. In summary, the available evidence is currently insufficient to determine the role of this variant in disease. Therefore, it has been classified as a Variant of Uncertain Significance.